The following is an entry in ClinVar:

ClinVar aggregate classification (germline): Uncertain significance. Review status: criteria provided, multiple submitters, no conflicts (2 of 4 stars). 2 submissions from 2 submitters: Uncertain significance (2). Last evaluated 2026-07-31.

Conditions:
KMT2C-related disorder. Also called: KMT2C-related condition; KMT2C-related disorders.

gnomAD v4.1: 1 of 1,613,600 alleles (0.000062%); highest among the groups gnomAD compares: Admixed American, 0.0017%; no homozygotes.

Submissions (2):

PreventionGenetics, part of Exact Sciences
Classification: Uncertain significance for KMT2C-related condition. Last evaluated: 2026-07-31. Review status: criteria provided, single submitter. Criteria: ACMG Guidelines, 2015. Collection method: clinical testing. Allele origin: germline.
Comment: The KMT2C c.14681A>C variant is predicted to result in the amino acid substitution p.Gln4894Pro. To our knowledge, this variant has not been reported in the literature. This variant is reported in 0.0029% of alleles in individuals of Latino descent in gnomAD. At this time, the clinical significance of this variant is uncertain due to the absence of conclusive functional and genetic evidence.

Women's Health and Genetics/Laboratory Corporation of America, LabCorp
Classification: Uncertain significance. Last evaluated: 2025-06-04. Review status: criteria provided, single submitter. Criteria: LabCorp Variant Classification Summary - May 2015. Collection method: clinical testing. Allele origin: germline.
Comment: Variant summary: KMT2C c.14681A>C (p.Gln4894Pro) results in a non-conservative amino acid change in the encoded protein sequence. Algorithms developed to predict the effect of missense changes on protein structure and function all suggest that this variant is likely to be disruptive. The variant allele was found at a frequency of 4e-06 in 250548 control chromosomes. The available data on variant occurrences in the general population are insufficient to allow any conclusion about variant significance. To our knowledge, no occurrence of c.14681A>C in individuals affected with Kleefstra Syndrome 2 and no experimental evidence demonstrating its impact on protein function have been reported. No submitters have cited clinical-significance assessments for this variant to ClinVar. Based on the evidence outlined above, the variant was classified as uncertain significance.

NM_170606.3(KMT2C):c.14681A>C (p.Gln4894Pro)

Gene: KMT2C (lysine methyltransferase 2C; minus strand). Cytogenetic location: 7q36.1.
Variant type: single nucleotide variant.
Coding change: c.14681A>C on transcript NM_170606.3 (MANE Select); coding-DNA position 14681, A replaced by C.
Protein change: p.Gln4894Pro; replaces glutamine 4894 with proline.
Molecular consequence: missense variant.
Genome position (GRCh38, 1-based): chr7:152,136,887, T>G on the plus strand (A>C on the coding strand, the complement: KMT2C is on the minus strand). VCF-style: chr7-152136887-T-G. GRCh37 (hg19) VCF-style: chr7-151833972-T-G.
Other names: c.14681A>C (NM_170606.2); short protein forms Q4894P.
Identifiers: ClinVar variation 3907377 (VCV003907377.2).
Genomic context (GRCh38, chr7:152,136,887, plus strand): 5'-GCATTTCAGTTCATCCACTTCCGGCAGTTCACAGCTCCACAGTGACACGGAATCTTGTGC[T>G]GGTCATCTTCAAAGTCAAACTTATAGTCATAGCAGAGCTGCCCACGGCAAAGACACAGGG-3'
Protein context (NP_733751.2, residues 4884-4904): YDYKFDFEDD[Gln4894Pro]HKIPCHCGAV